The following is an entry in ClinVar:

NM_000059.4(BRCA2):c.6080G>A (p.Arg2027Lys)

Gene: BRCA2 (BRCA2 DNA repair associated; plus strand). Cytogenetic location: 13q13.1.
Variant type: single nucleotide variant.
Coding change: c.6080G>A on transcript NM_000059.4 (MANE Select); coding-DNA position 6080, G replaced by A.
Protein change: p.Arg2027Lys; replaces arginine 2027 with lysine.
Molecular consequence: missense variant.
Genome position (GRCh38, 1-based): chr13:32,340,435, G>A. VCF-style: chr13-32340435-G-A. GRCh37 (hg19) VCF-style: chr13-32914572-G-A.
Other names: p.R2027K:AGA>AAA; 6308G>A; short protein forms R2027K.
Identifiers: ClinVar variation 96832 (VCV000096832.55), dbSNP rs431825337, ClinGen allele CA023625.

ClinVar aggregate classification (germline): Conflicting classifications of pathogenicity. Review status: criteria provided, conflicting classifications (1 of 4 stars). 10 submissions from 10 submitters: Uncertain significance (7); Likely benign (2). 1 of the submissions does not count toward it. Last evaluated 2026-07-06.

Conditions:
Hereditary cancer-predisposing syndrome. Also called: Tumor predisposition; Hereditary neoplastic syndrome; Neoplastic Syndromes, Hereditary; Hereditary Cancer Syndrome. Identifiers: Orphanet 140162, MedGen C0027672, MeSH D009386, MONDO:0015356.
Hereditary breast ovarian cancer syndrome. Also called: Hereditary breast and ovarian cancer syndrome (HBOC); Hereditary breast and ovarian cancer; Hereditary breast and ovarian cancer syndrome; Breast and ovarian cancer; Hereditary breast and/or ovarian cancer syndrome; BRCA1- and BRCA2-Associated Hereditary Breast and Ovarian Cancer. Identifiers: Orphanet 145, MedGen C0677776, MeSH D061325, MONDO:0003582. Disease mechanism: loss of function.
Breast-ovarian cancer, familial, susceptibility to, 2 (BROVCA2). Also called: BRCA2 Hereditary Breast and Ovarian Cancer. Identifiers: Orphanet 145, MedGen C2675520, MONDO:0012933, OMIM 612555. Disease mechanism: loss of function.

Submissions (10):

KCCC/NGS Laboratory, Kuwait Cancer Control Center
Classification: Uncertain significance for Breast-ovarian cancer, familial, susceptibility to, 2. Last evaluated: 2026-07-06. Review status: criteria provided, single submitter. Criteria: ACMG Guidelines, 2015. Collection method: clinical testing. Allele origin: germline. Inheritance: Autosomal dominant inheritance. Affected: yes.
Comment: A Variant of uncertain significance was detected in BRCA2

Center for Genomic Medicine, Rigshospitalet, Copenhagen University Hospital
Classification: Uncertain significance. Last evaluated: 2025-03-04. Review status: criteria provided, single submitter. Criteria: ACMG Guidelines, 2015. Collection method: clinical testing. Allele origin: germline.

Labcorp Genetics (formerly Invitae), Labcorp
Classification: Uncertain significance for Hereditary breast ovarian cancer syndrome. Last evaluated: 2024-03-25. Review status: criteria provided, single submitter. Criteria: Invitae Variant Classification Sherloc (09022015). Collection method: clinical testing. Allele origin: germline.
Comment: This sequence change replaces arginine, which is basic and polar, with lysine, which is basic and polar, at codon 2027 of the BRCA2 protein (p.Arg2027Lys). This variant is not present in population databases (gnomAD no frequency). This missense change has been observed in individual(s) with personal and/or family history of breast cancer (PMID: 31954625). ClinVar contains an entry for this variant (Variation ID: 96832). Advanced modeling of protein sequence and biophysical properties (such as structural, functional, and spatial information, amino acid conservation, physicochemical variation, residue mobility, and thermodynamic stability) performed at Invitae indicates that this missense variant is not expected to disrupt BRCA2 protein function with a negative predictive value of 95%. In summary, the available evidence is currently insufficient to determine the role of this variant in disease. Therefore, it has been classified as a Variant of Uncertain Significance.

Ambry Genetics
Classification: Likely benign for Hereditary cancer-predisposing syndrome. Last evaluated: 2024-01-11. Review status: criteria provided, single submitter. Criteria: Ambry Variant Classification Scheme 2023. Collection method: clinical testing. Allele origin: germline.

CeGaT Center for Human Genetics Tuebingen
Classification: Uncertain significance. Last evaluated: 2023-06-01. Review status: criteria provided, single submitter. Criteria: CeGaT Center For Human Genetics Tuebingen Variant Classification Criteria Version 2. Collection method: clinical testing. Allele origin: germline. Affected: yes. Observed: 1 variant allele.
Comment: BRCA2: PM2, BP4

University of Washington Department of Laboratory Medicine, University of Washington
Classification: Likely benign for Hereditary cancer-predisposing syndrome. Last evaluated: 2023-03-23. Review status: criteria provided, single submitter. Criteria: Dines et al. (Genet Med. 2020). Collection method: curation. Allele origin: germline.
Comment: Missense variant in a coldspot region where missense variants are very unlikely to be pathogenic (PMID:31911673).

BRCA2 exon 11 coldspot. Reclassification based on statistical prior probability.

Color Diagnostics, LLC DBA Color Health
Classification: Uncertain significance for Hereditary cancer-predisposing syndrome. Last evaluated: 2019-06-05. Review status: criteria provided, single submitter. Criteria: ACMG Guidelines, 2015. Collection method: clinical testing. Allele origin: germline.

Women's Health and Genetics/Laboratory Corporation of America, LabCorp
Classification: Uncertain significance. Last evaluated: 2018-09-14. Review status: criteria provided, single submitter. Criteria: LabCorp Variant Classification Summary - May 2015. Collection method: clinical testing. Allele origin: germline.
Comment: Variant summary: BRCA2 c.6080G>A (p.Arg2027Lys) results in a conservative amino acid change in the encoded protein sequence. Five of five in-silico tools predict a benign effect of the variant on protein function. The variant was absent in 245778 control chromosomes (gnomAD). The available data on variant occurrences in the general population are insufficient to allow any conclusion about variant significance. To our knowledge, no occurrence of c.6080G>A in individuals affected with Hereditary Breast and Ovarian Cancer and no experimental evidence demonstrating its impact on protein function have been reported. No clinical diagnostic laboratories have submitted clinical-significance assessments for this variant to ClinVar after 2014. Based on the evidence outlined above, the variant was classified as uncertain significance.

GeneDx
Classification: Uncertain significance. Last evaluated: 2014-07-17. Review status: criteria provided, single submitter. Criteria: GeneDx Variant Classification (06012015). Collection method: clinical testing. Allele origin: germline. Affected: yes.
Comment: This variant is denoted BRCA2 c.6080G>A at the cDNA level, p.Arg2027Lys (R2027K) at the protein level, and results in the change of an Arginine to a Lysine (AGA>AAA). This variant has not, to our knowledge, been published in the literature as pathogenic or benign. BRCA2 Arg2027Lys was not observed in approximately 6,500 individuals of European and African American ancestry in the NHLBI Exome Sequencing Project, indicating it is not a common benign variant in these populations. Since Arginine and Lysine share similar properties, this is considered a conservative amino acid substitution. BRCA2 Arg2027Lys occurs at a position that is variable across species and is not located in a known functional domain. In silico analyses predict that this variant is unlikely to alter protein structure or function. Based on currently available information, it is unclear whether BRCA2 Arg2027Lys is pathogenic or benign. We consider it to be a variant of uncertain significance.

Sharing Clinical Reports Project (SCRP)
Classification: Uncertain significance for Breast-ovarian cancer, familial 2. Last evaluated: 2012-05-01. Review status: no assertion criteria provided. Collection method: clinical testing. Allele origin: germline. Not counted in ClinVar's aggregate classification.

Literature cited by the submitters: PubMed 31954625 (cited by Labcorp Genetics (formerly Invitae), Labcorp and Ambry Genetics).